The following is an entry in ClinVar:

NM_000090.4(COL3A1):c.1491T>C (p.Asn497=)

Gene: COL3A1 (collagen type III alpha 1 chain; plus strand). Cytogenetic location: 2q32.2.
Variant type: single nucleotide variant.
Coding change: c.1491T>C on transcript NM_000090.4 (MANE Select); coding-DNA position 1491, T replaced by C.
Protein change: p.Asn497=; no amino-acid change (asparagine 497 retained).
Molecular consequence: synonymous variant.
Genome position (GRCh38, 1-based): chr2:188,995,081, T>C. VCF-style: chr2-188995081-T-C. GRCh37 (hg19) VCF-style: chr2-189859807-T-C.
Identifiers: ClinVar variation 3074691 (VCV003074691.1), dbSNP rs147559081, ClinGen allele CA074372.

ClinVar aggregate classification (germline): Likely benign (1 of 4 stars; one submission).

Conditions:
Ehlers-Danlos syndrome, type 4 (EDSVASC). Also called: Ehlers-Danlos Syndrome Type IV; Ehlers-Danlos syndrome vascular type; Ehlers Danlos syndrome, ecchymotic type; Ehlers Danlos syndrome, arterial type; Ehlers Danlos syndrome, Sack-Barabas type. Identifiers: Orphanet 286, MedGen C0268338, MONDO:0017314, OMIM 130050.

Allele frequency attached by ClinVar (database versions not stated): TOPMed below 0.00001; ExAC 0.00001; gnomAD 0.00001; ESP Exome Variant Server 0.00008.
gnomAD v4.1: 1 of 1,614,098 alleles (0.000062%); highest among the groups gnomAD compares: Non-Finnish European, 0.000085%; no homozygotes.

Submission:

All of Us Research Program, National Institutes of Health
Classification: Likely benign for Ehlers-Danlos syndrome, type 4. Last evaluated: 2023-12-13. Review status: criteria provided, single submitter. Criteria: ACMG Guidelines, 2015. Collection method: clinical testing. Allele origin: germline. Inheritance: Autosomal dominant inheritance. Observed: 2 variant alleles, 2 heterozygotes.
Comment: This study involves interpretation of variants in research participants for the purpose of population health screening. Participant phenotype was not available at the time of variant classification. Additional details can be found in publication PMID: 35346344, PMCID: PMC8962531